The following is an entry in ClinVar:

NM_033380.3(COL4A5):c.892G>T (p.Gly298Cys)

Gene: COL4A5 (collagen type IV alpha 5 chain; plus strand). Cytogenetic location: Xq22.3.
Variant type: single nucleotide variant.
Coding change: c.892G>T on transcript NM_033380.3 (MANE Select); coding-DNA position 892, G replaced by T.
Protein change: p.Gly298Cys; replaces glycine 298 with cysteine.
Molecular consequence: missense variant.
Genome position (GRCh38, 1-based): chrX:108,580,983, G>T. VCF-style: chrX-108580983-G-T. GRCh37 (hg19) VCF-style: chrX-107824213-G-T.
Other names: c.892G>T, p.Gly298Cys (NM_000495.5); short protein forms G298C.
Identifiers: ClinVar variation 3236354 (VCV003236354.1), dbSNP rs104886080, ClinGen allele CA413926711.

ClinVar aggregate classification (germline): Likely pathogenic (1 of 4 stars; one submission).

Conditions:
X-linked Alport syndrome (ATS1). Also called: COL4A5-Related Nephropathy; NEPHROPATHY AND DEAFNESS, X-LINKED. Identifiers: Orphanet 63, Orphanet 88917, MedGen C4746986, MONDO:0010520, OMIM 301050.

Submission:

MVZ Medizinische Genetik Mainz
Classification: Likely pathogenic for X-linked Alport syndrome. Last evaluated: 2024-03-08. Review status: criteria provided, single submitter. Criteria: UK Practice Guidelines For Variant Classification V4 01 2020. Collection method: clinical testing. Allele origin: germline. Inheritance: X-linked dominant inheritance. Observed: 1 variant allele.
Comment: ACMG Criteria: PM1_STR,PM5,PM2_SUP,PP3,PP4